The following is an entry in ClinVar:

ClinVar aggregate classification (germline): Likely pathogenic (1 of 4 stars; one submission).

Conditions:
Aneurysm-osteoarthritis syndrome. Also called: ANEURYSMS-OSTEOARTHRITIS SYNDROME; Loeys-Dietz syndrome, type 1C; LOEYS-DIETZ SYNDROME WITH OSTEOARTHRITIS; SMAD3-Related Loeys-Dietz Syndrome. Identifiers: Orphanet 284984, MedGen C3151087, MONDO:0013426, OMIM 613795.

Submission:

Victorian Clinical Genetics Services, Murdoch Childrens Research Institute
Classification: Likely pathogenic for Aneurysm-osteoarthritis syndrome. Last evaluated: 2024-09-20. Review status: criteria provided, single submitter. Criteria: ACMG Guidelines, 2015. Collection method: clinical testing. Allele origin: germline. Inheritance: Autosomal dominant inheritance. Affected: yes.
Comment: Based on the classification scheme VCGS_Germline_v1.3.4, this variant is classified as Likely pathogenic. Following criteria are met: 0102 - Loss of function is a known mechanism of disease in this gene and is associated with Loeys-Dietz syndrome 3 (MIM#613795). (I) 0107 - This gene is associated with autosomal dominant disease. (I) 0115 - Variants in this gene are known to have variable expressivity. Clinical features of Loeys-Dietz syndrome associated with SMAD3 are variable, and the penetrance of aortic events generally increases with age (PMIDs: 20301312, 30661052). (I) 0200 - Variant is predicted to result in a missense amino acid change from serine to threonine. (I) 0251 - This variant is heterozygous. (I) 0301 - Variant is absent from gnomAD (both v2 and v3). (SP) 0502 - Missense variant with conflicting in silico predictions and uninformative conservation. (I) 0604 - Variant is not located in an established domain, motif, hotspot or informative constraint region. (I) 0702 - Other missense variants comparable to the one identified in this case have strong previous evidence for pathogenicity. At least three alternative amino acid changes at the same amino acid position, p.(Ser423Asn), p.(Ser423Arg) and p.(Ser423Gly), have been reported in individuals with SMAD3-related features (ClinVar, PMIDs: 29392890, 24804794, 34122524). (SP) 0807 - This variant has no previous evidence of pathogenicity. (I) 0905 - No published segregation evidence has been identified for this variant. (I) 1007 - No published functional evidence has been identified for this variant. (SP) Legend: (SP) - Supporting pathogenic, (I) - Information, (SB) - Supporting benign

Literature cited by the submitters: PubMed 20301312; PubMed 24804794; PubMed 29392890; PubMed 30661052; PubMed 34122524.

NM_005902.4(SMAD3):c.1268G>C (p.Ser423Thr)

Gene: SMAD3 (SMAD family member 3; plus strand). Cytogenetic location: 15q22.33.
Variant type: single nucleotide variant.
Coding change: c.1268G>C on transcript NM_005902.4 (MANE Select); coding-DNA position 1268, G replaced by C.
Protein change: p.Ser423Thr; replaces serine 423 with threonine.
Molecular consequence: missense variant.
Genome position (GRCh38, 1-based): chr15:67,190,526, G>C. VCF-style: chr15-67190526-G-C. GRCh37 (hg19) VCF-style: chr15-67482864-G-C.
Other names: c.953G>C, p.Ser318Thr (NM_001407016.1, NM_001145102.2); c.683G>C, p.Ser228Thr (NM_001407017.1, NM_001145104.2); c.821G>C, p.Ser274Thr (NM_001407015.1); c.1136G>C, p.Ser379Thr (NM_001145103.2, NM_001407012.1); c.1379G>C, p.Ser460Thr (NM_001407011.1); c.1130G>C, p.Ser377Thr (NM_001407013.1); c.1121G>C, p.Ser374Thr (NM_001407014.1); short protein forms S228T, S274T, S318T, S374T, S377T, S379T, S423T, S460T.
Identifiers: ClinVar variation 3254640 (VCV003254640.2), dbSNP rs1555414503.
Genomic context (GRCh38, chr15:67,190,526, plus strand): 5'-CTTTGCAGTGGCTTGACAAGGTCCTCACCCAGATGGGCTCCCCAAGCATCCGCTGTTCCA[G>C]TGTGTCTTAGAGACATCAAGTATGGTAGGGGAGGGCAGGCTTGGGGAAAATGGCCATGCA-3'
Protein context (NP_005893.1, residues 413-425): QMGSPSIRCS[Ser423Thr]VS